The following is an entry in ClinVar:

ClinVar aggregate classification (germline): Uncertain significance (1 of 4 stars; one submission).

Conditions:
Nemaline myopathy 2 (NEM2). Also called: Nemaline myopathy 2, autosomal recessive. Identifiers: MedGen C1850569, MONDO:0009725, OMIM 256030.

gnomAD v4.1: 1 of 1,613,720 alleles (0.000062%); highest among the groups gnomAD compares: Non-Finnish European, 0.000085%; no homozygotes.

Submission:

Labcorp Genetics (formerly Invitae), Labcorp
Classification: Uncertain significance for Nemaline myopathy 2. Last evaluated: 2024-04-02. Review status: criteria provided, single submitter. Criteria: Invitae Variant Classification Sherloc (09022015). Collection method: clinical testing. Allele origin: germline.
Comment: This sequence change replaces serine, which is neutral and polar, with leucine, which is neutral and non-polar, at codon 1339 of the NEB protein (p.Ser1339Leu). This variant is not present in population databases (gnomAD no frequency). This variant has not been reported in the literature in individuals affected with NEB-related conditions. Experimental studies and prediction algorithms are not available or were not evaluated, and the functional significance of this variant is currently unknown. In summary, the available evidence is currently insufficient to determine the role of this variant in disease. Therefore, it has been classified as a Variant of Uncertain Significance.

NM_001164508.2(NEB):c.4016C>T (p.Ser1339Leu)

Gene: NEB (nebulin; minus strand). Cytogenetic location: 2q23.3.
Variant type: single nucleotide variant.
Coding change: c.4016C>T on transcript NM_001164508.2 (MANE Select); coding-DNA position 4016, C replaced by T.
Protein change: p.Ser1339Leu; replaces serine 1339 with leucine.
Molecular consequence: missense variant.
Genome position (GRCh38, 1-based): chr2:151,672,652, G>A on the plus strand (C>T on the coding strand, the complement: NEB is on the minus strand). VCF-style: chr2-151672652-G-A. GRCh37 (hg19) VCF-style: chr2-152529166-G-A.
Other names: c.4016C>T, p.Ser1339Leu (NM_001164507.2, NM_001271208.2, NM_004543.5); short protein forms S1339L.
Identifiers: ClinVar variation 3679581 (VCV003679581.2).